The following is an entry in ClinVar:

ClinVar aggregate classification (germline): Uncertain significance. Review status: criteria provided, multiple submitters, no conflicts (2 of 4 stars). 3 submissions from 3 submitters: Uncertain significance (2). 1 of the submissions does not count toward it. Last evaluated 2022-04-12.

Conditions:
Cohen syndrome (COH1). Also called: Cutis verticis gyrata, retinitis pigmentosa, and sensorineural deafness; PEPPER SYNDROME. Identifiers: Orphanet 193, MedGen C0265223, MONDO:0008999, OMIM 216550.
VPS13B-related disorder. Also called: VPS13B-related condition.

Allele frequency attached by ClinVar (database versions not stated): gnomAD exomes below 0.00001; TOPMed 0.00001.
gnomAD v4.1: 1 of 1,613,562 alleles (0.000062%); highest among the groups gnomAD compares: Admixed American, 0.0017%; no homozygotes.

Submissions (3):

Labcorp Genetics (formerly Invitae), Labcorp
Classification: Uncertain significance for Cohen syndrome. Last evaluated: 2022-04-12. Review status: criteria provided, single submitter. Criteria: Invitae Variant Classification Sherloc (09022015). Collection method: clinical testing. Allele origin: germline.
Comment: This sequence change replaces glycine, which is neutral and non-polar, with glutamic acid, which is acidic and polar, at codon 459 of the VPS13B protein (p.Gly459Glu). This variant is not present in population databases (gnomAD no frequency). This variant has not been reported in the literature in individuals affected with VPS13B-related conditions. ClinVar contains an entry for this variant (Variation ID: 1343686). Algorithms developed to predict the effect of missense changes on protein structure and function are either unavailable or do not agree on the potential impact of this missense change (SIFT: "Not Available"; PolyPhen-2: "Benign"; Align-GVGD: "Not Available"). In summary, the available evidence is currently insufficient to determine the role of this variant in disease. Therefore, it has been classified as a Variant of Uncertain Significance.

Women's Health and Genetics/Laboratory Corporation of America, LabCorp
Classification: Uncertain significance. Last evaluated: 2022-02-17. Review status: criteria provided, single submitter. Criteria: LabCorp Variant Classification Summary - May 2015. Collection method: clinical testing. Allele origin: germline.

PreventionGenetics, part of Exact Sciences
Classification: Uncertain significance for VPS13B-related condition. Last evaluated: 2023-12-01. Review status: no assertion criteria provided. Collection method: clinical testing. Allele origin: germline. Not counted in ClinVar's aggregate classification.
Comment: The VPS13B c.1376G>A variant is predicted to result in the amino acid substitution p.Gly459Glu. To our knowledge, this variant has not been reported in the literature or in a large population database, indicating this variant is rare. At this time, the clinical significance of this variant is uncertain due to the absence of conclusive functional and genetic evidence.

NM_152564.5(VPS13B):c.1376G>A (p.Gly459Glu)

Gene: VPS13B (vacuolar protein sorting 13 homolog B; plus strand). Cytogenetic location: 8q22.2.
Variant type: single nucleotide variant.
Coding change: c.1376G>A on transcript NM_152564.5 (MANE Select); coding-DNA position 1376, G replaced by A.
Protein change: p.Gly459Glu; replaces glycine 459 with glutamic acid.
Molecular consequence: missense variant.
Genome position (GRCh38, 1-based): chr8:99,135,088, G>A. VCF-style: chr8-99135088-G-A. GRCh37 (hg19) VCF-style: chr8-100147316-G-A.
Other names: c.1376G>A, p.Gly459Glu (NM_015243.3, NM_017890.5); c.1376G>A (NM_152564.4); short protein forms G459E.
Identifiers: ClinVar variation 1343686 (VCV001343686.4), dbSNP rs1810005848, ClinGen allele CA371862955.
Genomic context (GRCh38, chr8:99,135,088, plus strand): 5'-GAGAACCTTTCTTTGATTGCCAGATTGGGTTTGTTGGTTGCAGAGCCATGTGCCTTAAAG[G>A]AATTATGGGTGTTAAAGATTTTGAAGAGAATATGAATAGAAGTGAAACTGTAAGTCCGTT-3'
Protein context (NP_689777.3, residues 449-469): FVGCRAMCLK[Gly459Glu]IMGVKDFEEN